The following is an entry in ClinVar:

NM_001366900.1(TTC21A):c.853G>A (p.Glu285Lys)

Gene: TTC21A (tetratricopeptide repeat domain 21A; plus strand). Cytogenetic location: 3p22.2.
Variant type: single nucleotide variant.
Coding change: c.853G>A on transcript NM_001366900.1 (MANE Select); coding-DNA position 853, G replaced by A.
Protein change: p.Glu285Lys; replaces glutamic acid 285 with lysine.
Molecular consequence: missense variant. On other transcripts: non-coding transcript variant (3).
Genome position (GRCh38, 1-based): chr3:39,119,973, G>A. VCF-style: chr3-39119973-G-A. GRCh37 (hg19) VCF-style: chr3-39161464-G-A.
Other names: c.730G>A, p.Glu244Lys (NM_001105513.3); c.877G>A, p.Glu293Lys (NM_001366899.1, NM_145755.3); short protein forms E244K, E285K, E293K.
Identifiers: ClinVar variation 3060631 (VCV003060631.2), dbSNP rs1274971, ClinGen allele CA2324202.

ClinVar aggregate classification (germline): Benign (0 of 4 stars; one submission).

Conditions:
TTC21A-related disorder. Also called: TTC21A-related condition.

Allele frequency attached by ClinVar (database versions not stated): gnomAD exomes 0.32985; 1000 Genomes Project 0.45567; 1000 Genomes Project 30x 0.46705; ESP Exome Variant Server 0.46786; TOPMed 0.47524.
gnomAD v4.1: 543,054 of 1,584,694 alleles (34%); highest among the groups gnomAD compares: African/African-American, 79%; 103,962 homozygotes.

Submission:

PreventionGenetics, part of Exact Sciences
Classification: Benign for TTC21A-related condition. Last evaluated: 2019-10-30. Review status: no assertion criteria provided. Collection method: clinical testing. Allele origin: germline.
Comment: This variant is classified as benign based on ACMG/AMP sequence variant interpretation guidelines (Richards et al. 2015 PMID: 25741868, with internal and published modifications).